The following is an entry in ClinVar:

NM_176824.3(BBS7):c.2073T>C (p.Thr691=)

Gene: BBS7 (Bardet-Biedl syndrome 7; minus strand). Cytogenetic location: 4q27.
Variant type: single nucleotide variant.
Coding change: c.2073T>C on transcript NM_176824.3 (MANE Select); coding-DNA position 2073, T replaced by C.
Protein change: p.Thr691=; no amino-acid change (threonine 691 retained).
Molecular consequence: synonymous variant.
Genome position (GRCh38, 1-based): chr4:121,825,935, A>G on the plus strand (T>C on the coding strand, the complement: BBS7 is on the minus strand). VCF-style: chr4-121825935-A-G. GRCh37 (hg19) VCF-style: chr4-122747090-A-G.
Other names: c.2073T>C (NM_176824.2).
Identifiers: ClinVar variation 1565455 (VCV001565455.9), dbSNP rs2149045672, ClinGen allele CA440917404.
Genomic context (GRCh38, chr4:121,825,935, plus strand): 5'-GAATGAAATCAATGCATTTTGGTCATAACTGTCCAGAATTTCCAATAGAAGGGGTACTTT[A>G]GTTTTTACATTGGTGCCTTTAAACTTAAATTTATCTATGAAAAGATCAGTGATCATGCCT-3'
Protein context (NP_789794.1, residues 681-701): KFKFKGTNVK[Thr691=]KVPLLLEILD

ClinVar aggregate classification (germline): Likely benign. Review status: criteria provided, multiple submitters, no conflicts (2 of 4 stars). 2 submissions from 2 submitters: Likely benign (2). Last evaluated 2024-12-23.

Conditions:
BBS7-related disorder. Also called: BBS7-related condition.
Bardet-Biedl syndrome (BBS). Identifiers: Orphanet 110, MedGen C0752166, MONDO:0015229.

gnomAD v4.1: 1 of 1,610,696 alleles (0.000062%); highest among the groups gnomAD compares: Non-Finnish European, 0.000085%; no homozygotes.

Submissions (2):

PreventionGenetics, part of Exact Sciences
Classification: Likely benign for BBS7-related condition. Last evaluated: 2024-12-23. Review status: criteria provided, single submitter. Criteria: ACMG Guidelines, 2015. Collection method: clinical testing. Allele origin: germline.
Comment: This variant is classified as likely benign based on ACMG/AMP sequence variant interpretation guidelines (Richards et al. 2015 PMID: 25741868, with internal and published modifications).

Labcorp Genetics (formerly Invitae), Labcorp
Classification: Likely benign for Bardet-Biedl syndrome. Last evaluated: 2021-09-28. Review status: criteria provided, single submitter. Criteria: Invitae Variant Classification Sherloc (09022015). Collection method: clinical testing. Allele origin: germline.